The following is an entry in ClinVar:

NM_020699.4(GATAD2B):c.331C>T (p.Arg111Trp)

Gene: GATAD2B (GATA zinc finger domain containing 2B; minus strand). Cytogenetic location: 1q21.3.
Variant type: single nucleotide variant.
Coding change: c.331C>T on transcript NM_020699.4 (MANE Select); coding-DNA position 331, C replaced by T.
Protein change: p.Arg111Trp; replaces arginine 111 with tryptophan.
Molecular consequence: missense variant.
Genome position (GRCh38, 1-based): chr1:153,828,017, G>A on the plus strand (C>T on the coding strand, the complement: GATAD2B is on the minus strand). VCF-style: chr1-153828017-G-A. GRCh37 (hg19) VCF-style: chr1-153800493-G-A.
Other names: short protein forms R111W.
Identifiers: ClinVar variation 2070147 (VCV002070147.25), dbSNP rs745728622, ClinGen allele CA1120898.

ClinVar aggregate classification (germline): Uncertain significance. Review status: criteria provided, multiple submitters, no conflicts (2 of 4 stars). 2 submissions from 2 submitters: Uncertain significance (2). Last evaluated 2024-04-29.

Allele frequency attached by ClinVar (database versions not stated): ExAC 0.00001; gnomAD exomes 0.00002; TOPMed 0.00003; gnomAD 0.00005.
gnomAD v4.1: 36 of 1,612,866 alleles (0.0022%); highest among the groups gnomAD compares: Middle Eastern, 0.049%; no homozygotes.

Submissions (2):

Labcorp Genetics (formerly Invitae), Labcorp
Classification: Uncertain significance. Last evaluated: 2024-04-29. Review status: criteria provided, single submitter. Criteria: Invitae Variant Classification Sherloc (09022015). Collection method: clinical testing. Allele origin: germline.
Comment: This sequence change replaces arginine, which is basic and polar, with tryptophan, which is neutral and slightly polar, at codon 111 of the GATAD2B protein (p.Arg111Trp). This variant is present in population databases (rs745728622, gnomAD 0.004%). This variant has not been reported in the literature in individuals affected with GATAD2B-related conditions. ClinVar contains an entry for this variant (Variation ID: 2070147). Advanced modeling of protein sequence and biophysical properties (such as structural, functional, and spatial information, amino acid conservation, physicochemical variation, residue mobility, and thermodynamic stability) has been performed at Invitae for this missense variant, however the output from this modeling did not meet the statistical confidence thresholds required to predict the impact of this variant on GATAD2B protein function. In summary, the available evidence is currently insufficient to determine the role of this variant in disease. Therefore, it has been classified as a Variant of Uncertain Significance.

CeGaT Center for Human Genetics Tuebingen
Classification: Uncertain significance. Last evaluated: 2024-03-01. Review status: criteria provided, single submitter. Criteria: CeGaT Center For Human Genetics Tuebingen Variant Classification Criteria Version 2. Collection method: clinical testing. Allele origin: germline. Affected: yes. Observed: 1 variant allele.